The following is an entry in ClinVar:

ClinVar aggregate classification (germline): Uncertain significance (1 of 4 stars; one submission).

Submission:

GeneDx
Classification: Uncertain significance. Last evaluated: 2019-11-27. Review status: criteria provided, single submitter. Criteria: GeneDx Variant Classification Process June 2021. Collection method: clinical testing. Allele origin: germline. Affected: yes.
Comment: Has not been previously published as pathogenic or benign to our knowledge; Not observed in large population cohorts (Lek et al., 2016); In silico analysis, which includes protein predictors and evolutionary conservation, supports that this variant does not alter protein structure/function; Although located in a calcium-binding EGF-like domain of the FBN1 gene, it does not affect a cysteine residue within this domain; cysteine substitutions in the calcium-binding EGF-like domains represent the majority of pathogenic missense changes associated with FBN1-related disorders (Collod-Beroud et al., 2003)

NM_000138.5(FBN1):c.6473T>C (p.Ile2158Thr)

Gene: FBN1 (fibrillin 1; minus strand). Cytogenetic location: 15q21.1.
Variant type: single nucleotide variant.
Coding change: c.6473T>C on transcript NM_000138.5 (MANE Select); coding-DNA position 6473, T replaced by C.
Protein change: p.Ile2158Thr; replaces isoleucine 2158 with threonine.
Molecular consequence: missense variant.
Genome position (GRCh38, 1-based): chr15:48,436,984, A>G on the plus strand (T>C on the coding strand, the complement: FBN1 is on the minus strand). VCF-style: chr15-48436984-A-G. GRCh37 (hg19) VCF-style: chr15-48729181-A-G.
Other names: short protein forms I2158T.
Identifiers: ClinVar variation 1310576 (VCV001310576.2), dbSNP rs751560904, ClinGen allele CA392336380.
Genomic context (GRCh38, chr15:48,436,984, plus strand): 5'-TTTGTAAAGTTCCTATGGAAGAAAACTTATTACTCACCTACACATTCATTCCCTGCTAGA[A>G]TATAACCAAAGGGACACTCGCAGCGATAGGAACCATCTGTATTGATGCACTGTCCATGTT-3'
Protein context (NP_000129.3, residues 2148-2168): SYRCECPFGY[Ile2158Thr]LAGNECVDTD